The following is an entry in ClinVar:

ClinVar aggregate classification (germline): Pathogenic (3 of 4 stars; one submission).

Conditions:
Breast-ovarian cancer, familial, susceptibility to, 1 (BROVCA1). Also called: BRCA1 Hereditary Breast and Ovarian Cancer; OVARIAN CANCER, SUSCEPTIBILITY TO. Identifiers: Orphanet 145, MedGen C2676676, MONDO:0011450, OMIM 604370. Disease mechanism: loss of function.

Submission:

Evidence-based Network for the Interpretation of Germline Mutant Alleles (ENIGMA)
Classification: Pathogenic for Breast-ovarian cancer, familial, susceptibility to, 1. Last evaluated: 2016-09-08. Review status: reviewed by expert panel. Criteria: ENIGMA BRCA1/2 Classification Criteria (2015). Collection method: curation. Allele origin: germline.
Comment: Variant allele predicted to encode a truncated non-functional protein.

NM_007294.4(BRCA1):c.3697A>T (p.Lys1233Ter)

Genes: BRCA1 (BRCA1 DNA repair associated; minus strand), LOC126862571 (BRD4-independent group 4 enhancer GRCh37_chr17:41243136-41244335; plus strand). Cytogenetic location: 17q21.31.
Variant type: single nucleotide variant.
Coding change: c.3697A>T on transcript NM_007294.4 (MANE Select); coding-DNA position 3697, A replaced by T.
Protein change: p.Lys1233Ter; replaces lysine 1233 with a stop codon.
Molecular consequence: nonsense. On other transcripts: intron variant (135).
Genome position (GRCh38, 1-based): chr17:43,091,834, T>A on the plus strand (A>T on the coding strand, the complement: BRCA1 is on the minus strand). VCF-style: chr17-43091834-T-A. GRCh37 (hg19) VCF-style: chr17-41243851-T-A.
Other names: c.662-802A>T (NM_001408446.1, NM_001408435.1, NM_001408448.1 and 6 more transcripts); c.785-802A>T (NM_001408401.1, NM_001408396.1, NM_001407985.1 and 13 more transcripts); c.548-802A>T (NM_001408494.1); c.665-802A>T (NM_001408444.1, NM_001408438.1, NM_001408430.1 and 12 more transcripts); c.671-802A>T (NM_001408423.1, NM_001408420.1, NM_001408419.1 and 2 more transcripts); c.788-802A>T (NM_001408404.1, NM_001408472.1, NM_001407990.1 and 17 more transcripts); c.578-802A>T (NM_001408492.1, NM_001408513.1, NM_001408489.1 and 9 more transcripts); c.644-802A>T (NM_001408468.1, NM_001408465.1, NM_001408463.1 and 3 more transcripts); and 41 more; short protein forms K1233*, K1186*, K1106*, K1122*, K1162*, K1166*, K1207*, K1144*.
Identifiers: ClinVar variation 254440 (VCV000254440.3), dbSNP rs774679104, ClinGen allele CA10586620.